The following is an entry in ClinVar:

ClinVar aggregate classification (germline): Uncertain significance (1 of 4 stars; one submission).

Conditions:
Developmental and epileptic encephalopathy 94 (DEE94). Also called: Epileptic encephalopathy, childhood-onset; CHD2-Related Neurodevelopmental Disorders. Identifiers: Orphanet 1942, Orphanet 2382, MedGen C3809278, MONDO:0014150, OMIM 615369.

Submission:

Labcorp Genetics (formerly Invitae), Labcorp
Classification: Uncertain significance for Developmental and epileptic encephalopathy 94. Last evaluated: 2023-07-19. Review status: criteria provided, single submitter. Criteria: Invitae Variant Classification Sherloc (09022015). Collection method: clinical testing. Allele origin: germline.
Comment: Advanced modeling of protein sequence and biophysical properties (such as structural, functional, and spatial information, amino acid conservation, physicochemical variation, residue mobility, and thermodynamic stability) performed at Invitae indicates that this missense variant is not expected to disrupt CHD2 protein function. This sequence change replaces histidine, which is basic and polar, with tyrosine, which is neutral and polar, at codon 1556 of the CHD2 protein (p.His1556Tyr). This variant is not present in population databases (gnomAD no frequency). This variant has not been reported in the literature in individuals affected with CHD2-related conditions. In summary, the available evidence is currently insufficient to determine the role of this variant in disease. Therefore, it has been classified as a Variant of Uncertain Significance.

NM_001271.4(CHD2):c.4666C>T (p.His1556Tyr)

Gene: CHD2 (chromodomain helicase DNA binding protein 2; plus strand). Cytogenetic location: 15q26.1.
Variant type: single nucleotide variant.
Coding change: c.4666C>T on transcript NM_001271.4 (MANE Select); coding-DNA position 4666, C replaced by T.
Protein change: p.His1556Tyr; replaces histidine 1556 with tyrosine.
Molecular consequence: missense variant.
Genome position (GRCh38, 1-based): chr15:93,012,418, C>T. VCF-style: chr15-93012418-C-T. GRCh37 (hg19) VCF-style: chr15-93555648-C-T.
Other names: short protein forms H1556Y.
Identifiers: ClinVar variation 2745089 (VCV002745089.3), dbSNP rs2505624949, ClinGen allele CA393905322.
Genomic context (GRCh38, chr15:93,012,418, plus strand): 5'-TTTGTTTCCAAGTTTACAGAATTTGATGCTCGAAAACTGCATAAGTTATACAAGATGGCT[C>T]ATAAGAAAAGGTCTCAAGAAGAAGAGGTAAAGTACAAATTCAGTCCTAATTCATACAAAC-3'
Protein context (NP_001262.3, residues 1546-1566): RKLHKLYKMA[His1556Tyr]KKRSQEEEEQ